The following is an entry in ClinVar:

NM_213655.5(WNK1):c.2990A>G (p.Gln997Arg)

Gene: WNK1 (WNK lysine deficient protein kinase 1; plus strand). Cytogenetic location: 12p13.33.
Variant type: single nucleotide variant.
Coding change: c.2990A>G on transcript NM_213655.5 (MANE Plus Clinical); coding-DNA position 2990, A replaced by G.
Protein change: p.Gln997Arg; replaces glutamine 997 with arginine.
Molecular consequence: missense variant. On other transcripts: intron variant (2).
Genome position (GRCh38, 1-based): chr12:868,461, A>G. VCF-style: chr12-868461-A-G. GRCh37 (hg19) VCF-style: chr12-977627-A-G.
Other names: c.2735A>G, p.Gln912Arg (NM_001184985.2); c.2140-2804A>G (NM_018979.4, NM_014823.3); short protein forms Q912R, Q997R.
Identifiers: ClinVar variation 2444803 (VCV002444803.3), dbSNP rs1208837677, ClinGen allele CA383340044.

ClinVar aggregate classification (germline): Uncertain significance. Review status: criteria provided, multiple submitters, no conflicts (2 of 4 stars). 3 submissions from 3 submitters: Uncertain significance (3). Last evaluated 2025-12-06.

Conditions:
Neuropathy, hereditary sensory and autonomic, type 2A (HSAN2A). Also called: ACROOSTEOLYSIS, GIACCAI TYPE; ACROOSTEOLYSIS, NEUROGENIC; MORVAN DISEASE; NEUROPATHY, CONGENITAL SENSORY; NEUROPATHY, HEREDITARY SENSORY RADICULAR, AUTOSOMAL RECESSIVE; NEUROPATHY, HEREDITARY SENSORY, TYPE IIA. Identifiers: Orphanet 970, MedGen C2752089, MONDO:0024309, OMIM 201300.
Pseudohypoaldosteronism type 2C (PHA2C). Also called: Pseudohypoaldosteronism Type IIC. Identifiers: Orphanet 757, Orphanet 88940, MedGen C1840391, MONDO:0013778, OMIM 614492.

Allele frequency attached by ClinVar (database versions not stated): gnomAD exomes below 0.00001.
gnomAD v4.1: 1 of 1,614,006 alleles (0.000062%); highest among the groups gnomAD compares: Admixed American, 0.0017%; no homozygotes.

Submissions (3):

Labcorp Genetics (formerly Invitae), Labcorp
Classification: Uncertain significance for Neuropathy, hereditary sensory and autonomic, type 2A; Pseudohypoaldosteronism type 2C. Last evaluated: 2025-12-06. Review status: criteria provided, single submitter. Criteria: Invitae Variant Classification Sherloc (09022015). Collection method: clinical testing. Allele origin: germline.
Comment: This sequence change replaces glutamine, which is neutral and polar, with arginine, which is basic and polar, at codon 997 of the WNK1 protein (p.Gln997Arg). This variant is present in population databases (no rsID available, gnomAD 0.003%). This variant has not been reported in the literature in individuals affected with WNK1-related conditions. ClinVar contains an entry for this variant (Variation ID: 2444803). Invitae Evidence Modeling of protein sequence and biophysical properties (such as structural, functional, and spatial information, amino acid conservation, physicochemical variation, residue mobility, and thermodynamic stability) indicates that this missense variant is not expected to disrupt WNK1 protein function with a negative predictive value of 95%. In summary, the available evidence is currently insufficient to determine the role of this variant in disease. Therefore, it has been classified as a Variant of Uncertain Significance.

Fulgent Genetics
Classification: Uncertain significance for Neuropathy, hereditary sensory and autonomic, type 2A; Pseudohypoaldosteronism type 2C. Last evaluated: 2024-02-14. Review status: criteria provided, single submitter. Criteria: ACMG Guidelines, 2015. Collection method: clinical testing. Allele origin: germline.

GeneDx
Classification: Uncertain significance. Last evaluated: 2022-09-19. Review status: criteria provided, single submitter. Criteria: GeneDx Variant Classification Process June 2021. Collection method: clinical testing. Allele origin: germline. Affected: yes.
Comment: Not observed at significant frequency in large population cohorts (gnomAD); In silico analysis supports that this missense variant does not alter protein structure/function; Has not been previously published as pathogenic or benign to our knowledge